The following is an entry in ClinVar:

ClinVar aggregate classification (germline): Uncertain significance (1 of 4 stars; one submission).

Submission:

GeneDx
Classification: Uncertain significance. Last evaluated: 2023-07-07. Review status: criteria provided, single submitter. Criteria: GeneDx Variant Classification Process June 2021. Collection method: clinical testing. Allele origin: germline. Affected: yes.
Comment: Not observed at significant frequency in large population cohorts (gnomAD); In silico analysis supports that this missense variant has a deleterious effect on protein structure/function; Has not been previously published as pathogenic or benign to our knowledge

NM_002025.4(AFF2):c.2921A>T (p.Asp974Val)

Gene: AFF2 (ALF transcription elongation factor 2; plus strand). Cytogenetic location: Xq28.
Variant type: single nucleotide variant.
Coding change: c.2921A>T on transcript NM_002025.4 (MANE Select); coding-DNA position 2921, A replaced by T.
Protein change: p.Asp974Val; replaces aspartic acid 974 with valine.
Molecular consequence: missense variant.
Genome position (GRCh38, 1-based): chrX:148,966,797, A>T. VCF-style: chrX-148966797-A-T. GRCh37 (hg19) VCF-style: chrX-148048327-A-T.
Other names: c.2816A>T, p.Asp939Val (NM_001169122.2, NM_001169124.2); c.2891A>T, p.Asp964Val (NM_001169123.2); c.2804A>T, p.Asp935Val (NM_001169125.2); c.1844A>T, p.Asp615Val (NM_001170628.1); short protein forms D615V, D935V, D939V, D964V, D974V.
Identifiers: ClinVar variation 3360744 (VCV003360744.1).